The following is an entry in ClinVar:

ClinVar aggregate classification (germline): Uncertain significance. Review status: criteria provided, multiple submitters, no conflicts (2 of 4 stars). 2 submissions from 2 submitters: Uncertain significance (2). Last evaluated 2026-09-02.

Conditions:
MYO18B-related disorder. Also called: MYO18B-related condition.

gnomAD v4.1: 6 of 1,608,494 alleles (0.00037%); highest among the groups gnomAD compares: Admixed American, 0.0034%; no homozygotes.

Submissions (2):

PreventionGenetics, part of Exact Sciences
Classification: Uncertain significance for MYO18B-related condition. Last evaluated: 2026-09-02. Review status: criteria provided, single submitter. Criteria: ACMG Guidelines, 2015. Collection method: clinical testing. Allele origin: germline.
Comment: The MYO18B c.3422G>C variant is predicted to result in the amino acid substitution p.Arg1141Pro. To our knowledge, this variant has not been reported in the literature. This variant is reported in 0.0060% of alleles in individuals of Latino descent in gnomAD. At this time, the clinical significance of this variant is uncertain due to the absence of conclusive functional and genetic evidence.

Labcorp Genetics (formerly Invitae), Labcorp
Classification: Uncertain significance. Last evaluated: 2022-06-29. Review status: criteria provided, single submitter. Criteria: Invitae Variant Classification Sherloc (09022015). Collection method: clinical testing. Allele origin: germline.
Comment: This sequence change replaces arginine, which is basic and polar, with proline, which is neutral and non-polar, at codon 1141 of the MYO18B protein (p.Arg1141Pro). This variant is present in population databases (no rsID available, gnomAD 0.003%). This variant has not been reported in the literature in individuals affected with MYO18B-related conditions. Algorithms developed to predict the effect of missense changes on protein structure and function are either unavailable or do not agree on the potential impact of this missense change (SIFT: "Not Available"; PolyPhen-2: "Probably Damaging"; Align-GVGD: "Not Available"). In summary, the available evidence is currently insufficient to determine the role of this variant in disease. Therefore, it has been classified as a Variant of Uncertain Significance.

NM_032608.7(MYO18B):c.3422G>C (p.Arg1141Pro)

Gene: MYO18B (myosin XVIIIB; plus strand). Cytogenetic location: 22q12.1.
Variant type: single nucleotide variant.
Coding change: c.3422G>C on transcript NM_032608.7 (MANE Select); coding-DNA position 3422, G replaced by C.
Protein change: p.Arg1141Pro; replaces arginine 1141 with proline.
Molecular consequence: missense variant.
Genome position (GRCh38, 1-based): chr22:25,846,153, G>C. VCF-style: chr22-25846153-G-C. GRCh37 (hg19) VCF-style: chr22-26242120-G-C.
Other names: c.3422G>C (NM_032608.6); c.3425G>C, p.Arg1142Pro (NM_001318245.2); short protein forms R1142P, R1141P.
Identifiers: ClinVar variation 1983913 (VCV001983913.2), dbSNP rs750959478, ClinGen allele CA410999190.
Genomic context (GRCh38, chr22:25,846,153, plus strand): 5'-CCACCAGAGAGGAGCTGCGGAGTCTATTCCAGGCCCGGGCCAAGCTGCCTCCTGTGTGCC[G>C]GGCTGTGGCAGGCCTGGAGGGCACCTCCCAGCAGGCCCTGCAGAGGAGCCGCATGGTGAG-3'
Protein context (NP_115997.5, residues 1131-1151): QARAKLPPVC[Arg1141Pro]AVAGLEGTSQ